The following is an entry in ClinVar:

ClinVar aggregate classification (germline): Conflicting classifications of pathogenicity. Review status: criteria provided, conflicting classifications (1 of 4 stars). 5 submissions from 5 submitters: Uncertain significance (1); Likely benign (4). Last evaluated 2026-03-11.

Conditions:
Usher syndrome type 2C. Also called: Usher syndrome, type 2B; USHER SYNDROME, TYPE IIC. Identifiers: Orphanet 231178, Orphanet 886, MedGen C2931213, MONDO:0011558, OMIM 605472.
ADGRV1-related disorder. Also called: ADGRV1-related disorders; ADGRV1-related condition.

Allele frequency attached by ClinVar (database versions not stated): ExAC 0.00009; gnomAD exomes 0.00011; TOPMed 0.00011; gnomAD 0.00013 and 0.00014.
gnomAD v4.1: 162 of 1,613,364 alleles (0.01%); highest among the groups gnomAD compares: Middle Eastern, 0.099%; no homozygotes.

Submissions (5):

PreventionGenetics, part of Exact Sciences
Classification: Likely benign for ADGRV1-related condition. Last evaluated: 2026-03-11. Review status: criteria provided, single submitter. Criteria: ACMG Guidelines, 2015. Collection method: clinical testing. Allele origin: germline.
Comment: This variant is classified as likely benign based on ACMG/AMP sequence variant interpretation guidelines (Richards et al. 2015 PMID: 25741868, with internal and published modifications).

Labcorp Genetics (formerly Invitae), Labcorp
Classification: Likely benign. Last evaluated: 2025-11-15. Review status: criteria provided, single submitter. Criteria: Invitae Variant Classification Sherloc (09022015). Collection method: clinical testing. Allele origin: germline.

Blueprint Genetics
Classification: Likely benign. Last evaluated: 2024-11-05. Review status: criteria provided, single submitter. Criteria: ACMG Guidelines, 2015. Collection method: clinical testing. Allele origin: germline.

CeGaT Center for Human Genetics Tuebingen
Classification: Likely benign. Last evaluated: 2022-10-01. Review status: criteria provided, single submitter. Criteria: CeGaT Center For Human Genetics Tuebingen Variant Classification Criteria Version 2. Collection method: clinical testing. Allele origin: germline. Affected: yes. Observed: 2 variant alleles.
Comment: ADGRV1: BP4, BP7

Illumina Laboratory Services, Illumina
Classification: Uncertain significance for Usher syndrome type 2C. Last evaluated: 2018-01-13. Review status: criteria provided, single submitter. Criteria: ICSL Variant Classification Criteria 13 December 2019. Collection method: clinical testing. Allele origin: germline.

NM_032119.4(ADGRV1):c.8034T>G (p.Thr2678=)

Gene: ADGRV1 (adhesion G protein-coupled receptor V1; plus strand). Cytogenetic location: 5q14.3.
Variant type: single nucleotide variant.
Coding change: c.8034T>G on transcript NM_032119.4 (MANE Select); coding-DNA position 8034, T replaced by G.
Protein change: p.Thr2678=; no amino-acid change (threonine 2678 retained).
Molecular consequence: synonymous variant. On other transcripts: non-coding transcript variant (1).
Genome position (GRCh38, 1-based): chr5:90,697,025, T>G. VCF-style: chr5-90697025-T-G. GRCh37 (hg19) VCF-style: chr5-89992842-T-G.
Identifiers: ClinVar variation 904003 (VCV000904003.44), dbSNP rs200712751, ClinGen allele CA3340150.